The following is an entry in ClinVar:

ClinVar aggregate classification (germline): Uncertain significance (1 of 4 stars; one submission).

Conditions:
Autosomal dominant limb-girdle muscular dystrophy type 1G (LGMDD3). Also called: Limb-girdle muscular dystrophy, type 1G; MUSCULAR DYSTROPHY, LIMB-GIRDLE, AUTOSOMAL DOMINANT 3. Identifiers: Orphanet 55596, MedGen C1836765, MONDO:0012193, OMIM 609115.

Allele frequency attached by ClinVar (database versions not stated): gnomAD exomes below 0.00001.

Submission:

Labcorp Genetics (formerly Invitae), Labcorp
Classification: Uncertain significance for Autosomal dominant limb-girdle muscular dystrophy type 1G. Last evaluated: 2021-09-05. Review status: criteria provided, single submitter. Criteria: Invitae Variant Classification Sherloc (09022015). Collection method: clinical testing. Allele origin: germline.
Comment: In summary, the available evidence is currently insufficient to determine the role of this variant in disease. Therefore, it has been classified as a Variant of Uncertain Significance. Algorithms developed to predict the effect of missense changes on protein structure and function are either unavailable or do not agree on the potential impact of this missense change (SIFT: "Deleterious"; PolyPhen-2: "Benign"; Align-GVGD: "Class C0"). This variant has not been reported in the literature in individuals affected with HNRNPDL-related conditions. The frequency data for this variant in the population databases is considered unreliable, as metrics indicate insufficient coverage at this position in the ExAC database. This sequence change replaces alanine with threonine at codon 20 of the HNRNPDL protein (p.Ala20Thr). The alanine residue is moderately conserved and there is a small physicochemical difference between alanine and threonine.

NM_031372.4(HNRNPDL):c.58G>A (p.Ala20Thr)

Gene: HNRNPDL (heterogeneous nuclear ribonucleoprotein D like; minus strand). Cytogenetic location: 4q21.22.
Variant type: single nucleotide variant.
Coding change: c.58G>A on transcript NM_031372.4 (MANE Select); coding-DNA position 58, G replaced by A.
Protein change: p.Ala20Thr; replaces alanine 20 with threonine.
Molecular consequence: missense variant. On other transcripts: non-coding transcript variant (1).
Genome position (GRCh38, 1-based): chr4:82,429,633, C>T on the plus strand (G>A on the coding strand, the complement: HNRNPDL is on the minus strand). VCF-style: chr4-82429633-C-T. GRCh37 (hg19) VCF-style: chr4-83350786-C-T.
Other names: c.58G>A, p.Ala20Thr (NM_001207000.1); short protein forms A20T.
Identifiers: ClinVar variation 1392235 (VCV001392235.6), dbSNP rs1353089013, ClinGen allele CA357173924.